The following is an entry in ClinVar:

NM_000059.4(BRCA2):c.5727_5728insG (p.Asn1910fs)

Gene: BRCA2 (BRCA2 DNA repair associated; plus strand). Cytogenetic location: 13q13.1.
Variant type: Insertion.
Coding change: c.5727_5728insG on transcript NM_000059.4 (MANE Select); coding-DNA positions 5727 to 5728, G inserted.
Protein change: p.Asn1910fs; shifts the reading frame from asparagine 1910.
Molecular consequence: frameshift variant.
Genome position: GRCh38 VCF-style: chr13-32340082-T-TG. GRCh37 (hg19) VCF-style: chr13-32914219-T-TG.
Other names: short protein forms N1910fs.
Identifiers: ClinVar variation 638154 (VCV000638154.16), dbSNP rs1593906350, ClinGen allele CA891842168.

ClinVar aggregate classification (germline): Pathogenic. Review status: criteria provided, multiple submitters, no conflicts (2 of 4 stars). 4 submissions from 4 submitters: Pathogenic (3). 1 of the submissions does not count toward it. Last evaluated 2024-08-12.

Conditions:
Hereditary cancer-predisposing syndrome. Also called: Hereditary Cancer Syndrome; Neoplastic Syndromes, Hereditary; Tumor predisposition; Hereditary neoplastic syndrome. Identifiers: Orphanet 140162, MedGen C0027672, MeSH D009386, MONDO:0015356.
Hereditary breast ovarian cancer syndrome. Also called: Hereditary breast and ovarian cancer syndrome; Hereditary breast and ovarian cancer syndrome (HBOC); Hereditary breast and ovarian cancer; Hereditary breast and/or ovarian cancer syndrome; Breast and ovarian cancer; BRCA1- and BRCA2-Associated Hereditary Breast and Ovarian Cancer. Identifiers: Orphanet 145, MedGen C0677776, MeSH D061325, MONDO:0003582. Disease mechanism: loss of function.
Breast-ovarian cancer, familial, susceptibility to, 2 (BROVCA2). Also called: BRCA2 Hereditary Breast and Ovarian Cancer. Identifiers: Orphanet 145, MedGen C2675520, MONDO:0012933, OMIM 612555. Disease mechanism: loss of function.

Submissions (4):

Ambry Genetics
Classification: Pathogenic for Hereditary cancer-predisposing syndrome. Last evaluated: 2024-08-12. Review status: criteria provided, single submitter. Criteria: Ambry Variant Classification Scheme 2023. Collection method: clinical testing. Allele origin: germline.
Comment: The c.5727_5728insG pathogenic mutation, located in coding exon 10 of the BRCA2 gene, results from an insertion of one nucleotide at position 5727, causing a translational frameshift with a predicted alternate stop codon (p.N1910Efs*2). This alteration has been detected in 1/2575 unselected patients with breast cancer and 0/2809 healthy control individuals from a Malaysian cohort (Wen WX et al. J Med Genet, 2018 Feb;55:97-103). This variant is considered to be rare based on population cohorts in the Genome Aggregation Database (gnomAD). In addition to the clinical data presented in the literature, this alteration is expected to result in loss of function by premature protein truncation or nonsense-mediated mRNA decay. As such, this alteration is interpreted as a disease-causing mutation.

Labcorp Genetics (formerly Invitae), Labcorp
Classification: Pathogenic for Hereditary breast ovarian cancer syndrome. Last evaluated: 2023-12-14. Review status: criteria provided, single submitter. Criteria: Invitae Variant Classification Sherloc (09022015). Collection method: clinical testing. Allele origin: germline.
Comment: This sequence change creates a premature translational stop signal (p.Asn1910Glufs*2) in the BRCA2 gene. It is expected to result in an absent or disrupted protein product. Loss-of-function variants in BRCA2 are known to be pathogenic (PMID: 20104584). This variant is not present in population databases (gnomAD no frequency). This premature translational stop signal has been observed in individual(s) with breast cancer and/or ovarian cancer (PMID: 28993434, 32393398). ClinVar contains an entry for this variant (Variation ID: 638154). For these reasons, this variant has been classified as Pathogenic.

Human Genetics Unit, University Of Colombo
Classification: Pathogenic for Breast-ovarian cancer, familial, susceptibility to, 2. Last evaluated: 2019-07-23. Review status: criteria provided, single submitter. Criteria: ACMG Guidelines, 2015. Collection method: clinical testing. Allele origin: germline. Inheritance: Autosomal dominant inheritance. Affected: yes. Observed: 1 heterozygote.
Comment: This mutation is not found in global population frequency databases or our internal exome database. Insilico analysis concluded this variant causes non-sense mediated mRNA degradation. According to ACMG criteria, this variant can be classified as Pathogenic (Ia). Evidence : PVS1, PP1-S

BRCAlab, Lund University
Classification: Pathogenic for Breast-ovarian cancer, familial, susceptibility to, 2. Last evaluated: 2020-03-02. Review status: no assertion criteria provided. Collection method: clinical testing. Allele origin: germline. Affected: yes. Not counted in ClinVar's aggregate classification.

Literature cited by the submitters: PubMed 28993434 (cited by Ambry Genetics and Labcorp Genetics (formerly Invitae), Labcorp); PubMed 20104584 (cited by Labcorp Genetics (formerly Invitae), Labcorp); PubMed 32393398 (cited by Labcorp Genetics (formerly Invitae), Labcorp).